The following is an entry in ClinVar:

NM_002485.5(NBN):c.548C>A (p.Ala183Glu)

Gene: NBN (nibrin; minus strand). Cytogenetic location: 8q21.3.
Variant type: single nucleotide variant.
Coding change: c.548C>A on transcript NM_002485.5 (MANE Select); coding-DNA position 548, C replaced by A.
Protein change: p.Ala183Glu; replaces alanine 183 with glutamic acid.
Molecular consequence: missense variant.
Genome position (GRCh38, 1-based): chr8:89,978,256, G>T on the plus strand (C>A on the coding strand, the complement: NBN is on the minus strand). VCF-style: chr8-89978256-G-T. GRCh37 (hg19) VCF-style: chr8-90990484-G-T.
Other names: c.302C>A, p.Ala101Glu (NM_001024688.3); short protein forms A183E, A101E.
Identifiers: ClinVar variation 2566739 (VCV002566739.2), dbSNP rs2488343752, ClinGen allele CA371660223.
Genomic context (GRCh38, chr8:89,978,256, plus strand): 5'-TTATATTTAAAATACATAATATACCTTTCAATTTGTGGAGGCTGCTTCTTGGACTCAACT[G>T]CTTTCAGGAATTCAGTAAAATATTCTGGCTTTACAATTGGACGTCCACAAATGAGTGCAC-3'
Protein context (NP_002476.2, residues 173-193): KPEYFTEFLK[Ala183Glu]VESKKQPPQI

ClinVar aggregate classification (germline): Uncertain significance (1 of 4 stars; one submission).

Conditions:
Hereditary cancer-predisposing syndrome. Also called: Hereditary neoplastic syndrome; Hereditary Cancer Syndrome; Neoplastic Syndromes, Hereditary; Tumor predisposition. Identifiers: Orphanet 140162, MedGen C0027672, MeSH D009386, MONDO:0015356.

Submission:

Ambry Genetics
Classification: Uncertain significance for Hereditary cancer-predisposing syndrome. Last evaluated: 2023-05-21. Review status: criteria provided, single submitter. Criteria: Ambry Variant Classification Scheme 2023. Collection method: clinical testing. Allele origin: germline.
Comment: The p.A183E variant (also known as c.548C>A), located in coding exon 5 of the NBN gene, results from a C to A substitution at nucleotide position 548. The alanine at codon 183 is replaced by glutamic acid, an amino acid with dissimilar properties. This amino acid position is conserved. In addition, the in silico prediction for this alteration is inconclusive. Since supporting evidence is limited at this time, the clinical significance of this alteration remains unclear.